The following is an entry in ClinVar:

NM_017986.4(SLC52A1):c.1181_1182insA (p.Ala395fs)

Gene: SLC52A1 (solute carrier family 52 member 1; minus strand). Cytogenetic location: 17p13.2.
Variant type: Insertion.
Coding change: c.1181_1182insA on transcript NM_017986.4 (MANE Select); coding-DNA positions 1181 to 1182, A inserted.
Protein change: p.Ala395fs; shifts the reading frame from alanine 395.
Molecular consequence: frameshift variant.
Genome position: GRCh38 VCF-style: chr17-5033122-C-CT. GRCh37 (hg19) VCF-style: chr17-4936417-C-CT.
Other names: c.1181_1182insA, p.Ala395fs (NM_001104577.2); short protein forms A395fs.
Identifiers: ClinVar variation 1371231 (VCV001371231.6), dbSNP rs2143425548, ClinGen allele CA2573152994.

ClinVar aggregate classification (germline): Uncertain significance (1 of 4 stars; one submission).

Conditions:
Vitamin B2 deficiency. Identifiers: MedGen C0035528.

Allele frequency attached by ClinVar (database versions not stated): gnomAD exomes below 0.00001.

Submission:

Labcorp Genetics (formerly Invitae), Labcorp
Classification: Uncertain significance for Vitamin B2 deficiency. Last evaluated: 2021-08-02. Review status: criteria provided, single submitter. Criteria: Invitae Variant Classification Sherloc (09022015). Collection method: clinical testing. Allele origin: germline.
Comment: In summary, the available evidence is currently insufficient to determine the role of this variant in disease. Therefore, it has been classified as a Variant of Uncertain Significance. Algorithms developed to predict the effect of sequence changes on RNA splicing suggest that this variant may create or strengthen a splice site. This variant has not been reported in the literature in individuals affected with SLC52A1-related conditions. This variant is not present in population databases (ExAC no frequency). This sequence change results in a frameshift in the SLC52A1 gene (p.Ala395Glyfs*105). While this is not anticipated to result in nonsense mediated decay, it is expected to disrupt the last 54 amino acid(s) of the SLC52A1 protein and extend the protein by 50 additional amino acid residues.